The following is an entry in ClinVar:

NM_001042492.3(NF1):c.3980A>G (p.Glu1327Gly)

Gene: NF1 (neurofibromin 1; plus strand). Cytogenetic location: 17q11.2.
Variant type: single nucleotide variant.
Coding change: c.3980A>G on transcript NM_001042492.3 (MANE Select); coding-DNA position 3980, A replaced by G.
Protein change: p.Glu1327Gly; replaces glutamic acid 1327 with glycine.
Molecular consequence: missense variant.
Genome position (GRCh38, 1-based): chr17:31,248,989, A>G. VCF-style: chr17-31248989-A-G. GRCh37 (hg19) VCF-style: chr17-29576007-A-G.
Other names: c.3980A>G, p.Glu1327Gly (NM_000267.4); short protein forms E1327G.
Identifiers: ClinVar variation 1047381 (VCV001047381.7), dbSNP rs2067447715, ClinGen allele CA398994815.

ClinVar aggregate classification (germline): Uncertain significance. Review status: criteria provided, multiple submitters, no conflicts (2 of 4 stars). 2 submissions from 2 submitters: Uncertain significance (2). Last evaluated 2024-08-28.

Conditions:
Neurofibromatosis, type 1 (NF1). Also called: VON RECKLINGHAUSEN DISEASE; NEUROFIBROMATOSIS, TYPE I, SOMATIC; Peripheral type neurofibromatosis; Neurofibromatosis, type I. Identifiers: Orphanet 636, MedGen C0027831, MONDO:0018975, OMIM 162200. Disease mechanism: loss of function.
Hereditary cancer-predisposing syndrome. Also called: Hereditary neoplastic syndrome; Neoplastic Syndromes, Hereditary; Tumor predisposition; Hereditary Cancer Syndrome. Identifiers: Orphanet 140162, MedGen C0027672, MeSH D009386, MONDO:0015356.
Cardiovascular phenotype. Identifiers: MedGen CN230736.

Submissions (2):

Labcorp Genetics (formerly Invitae), Labcorp
Classification: Uncertain significance for Neurofibromatosis, type 1. Last evaluated: 2024-08-28. Review status: criteria provided, single submitter. Criteria: Invitae Variant Classification Sherloc (09022015). Collection method: clinical testing. Allele origin: germline.
Comment: This sequence change replaces glutamic acid, which is acidic and polar, with glycine, which is neutral and non-polar, at codon 1327 of the NF1 protein (p.Glu1327Gly). This variant is not present in population databases (gnomAD no frequency). This missense change has been observed in individual(s) with neurofibromatosis type 1 (PMID: 22807134). ClinVar contains an entry for this variant (Variation ID: 1047381). Invitae Evidence Modeling of protein sequence and biophysical properties (such as structural, functional, and spatial information, amino acid conservation, physicochemical variation, residue mobility, and thermodynamic stability) has been performed for this missense variant. However, the output from this modeling did not meet the statistical confidence thresholds required to predict the impact of this variant on NF1 protein function. Experimental studies have shown that this missense change does not substantially affect NF1 function (PMID: 22807134). In summary, the available evidence is currently insufficient to determine the role of this variant in disease. Therefore, it has been classified as a Variant of Uncertain Significance.

Ambry Genetics
Classification: Uncertain significance for Cardiovascular phenotype; Hereditary cancer-predisposing syndrome. Last evaluated: 2021-05-26. Review status: criteria provided, single submitter. Criteria: Ambry Variant Classification Scheme 2023. Collection method: clinical testing. Allele origin: germline.
Comment: The p.E1327G variant (also known as c.3980A>G), located in coding exon 30 of the NF1 gene, results from an A to G substitution at nucleotide position 3980. The glutamic acid at codon 1327 is replaced by glycine, an amino acid with similar properties. This alteration was detected in an individual meeting clinical criteria for a diagnosis of neurofibromatosis type 1 (Thomas L et al. Hum Mutat. 2012 Dec;33:1687-96). This amino acid position is highly conserved in available vertebrate species. In addition, the in silico prediction for this alteration is inconclusive. Since supporting evidence is limited at this time, the clinical significance of this alteration remains unclear.

Literature cited by the submitters: PubMed 22807134 (cited by Labcorp Genetics (formerly Invitae), Labcorp).